The following is an entry in ClinVar:

ClinVar aggregate classification (germline): Likely benign. Review status: criteria provided, multiple submitters, no conflicts (2 of 4 stars). 6 submissions from 6 submitters: Likely benign (6). Last evaluated 2026-03-27.

Conditions:
Cardiovascular phenotype. Identifiers: MedGen CN230736.
Cardiomyopathy (CMYO). Also called: Cardiomyopathies. Identifiers: Orphanet 167848, MedGen C0878544, MONDO:0004994, HP:0001638. Inheritance: Various modes of inheritance.
Hypertrophic cardiomyopathy. Also called: HYPERTROPHIC MYOCARDIOPATHY. Identifiers: Orphanet 217569, MedGen C0007194, MeSH D002312, MONDO:0005045, HP:0001639.

Allele frequency attached by ClinVar (database versions not stated): 1000 Genomes Project 0.00020; 1000 Genomes Project 30x 0.00031; gnomAD 0.00006; TOPMed 0.00006.
gnomAD v4.1: 14 of 1,614,222 alleles (0.00087%); highest among the groups gnomAD compares: African/African-American, 0.011%; no homozygotes.

Submissions (6):

Molecular Diagnostic Laboratory for Inherited Cardiovascular Disease, Montreal Heart Institute
Classification: Likely benign. Last evaluated: 2026-03-27. Review status: criteria provided, single submitter. Criteria: ACMG Guidelines, 2015. Collection method: clinical testing. Allele origin: germline. Affected: no.
Comment: BP7

Labcorp Genetics (formerly Invitae), Labcorp
Classification: Likely benign for Hypertrophic cardiomyopathy. Last evaluated: 2025-06-14. Review status: criteria provided, single submitter. Criteria: Invitae Variant Classification Sherloc (09022015). Collection method: clinical testing. Allele origin: germline.

All of Us Research Program, National Institutes of Health
Classification: Likely benign for Cardiomyopathy. Last evaluated: 2023-06-28. Review status: criteria provided, single submitter. Criteria: ACMG Guidelines, 2015. Collection method: clinical testing. Allele origin: germline. Inheritance: Autosomal dominant inheritance. Observed: 3 variant alleles, 3 heterozygotes.
Comment: This study involves interpretation of variants in research participants for the purpose of population health screening. Participant phenotype was not available at the time of variant classification. Additional details can be found in publication PMID: 35346344, PMCID: PMC8962531

Ambry Genetics
Classification: Likely benign for Cardiovascular phenotype. Last evaluated: 2021-09-17. Review status: criteria provided, single submitter. Criteria: Ambry Variant Classification Scheme 2023. Collection method: clinical testing. Allele origin: germline.

Color Diagnostics, LLC DBA Color Health
Classification: Likely benign for Cardiomyopathy. Last evaluated: 2019-09-25. Review status: criteria provided, single submitter. Criteria: ACMG Guidelines, 2015. Collection method: clinical testing. Allele origin: germline.

GeneDx
Classification: Likely benign. Last evaluated: 2017-04-05. Review status: criteria provided, single submitter. Criteria: GeneDx Variant Classification (06012015). Collection method: clinical testing. Allele origin: germline. Affected: yes.
Comment: This variant is considered likely benign or benign based on one or more of the following criteria: it is a conservative change, it occurs at a poorly conserved position in the protein, it is predicted to be benign by multiple in silico algorithms, and/or has population frequency not consistent with disease.

NM_000257.4(MYH7):c.5761C>A (p.Arg1921=)

Gene: MYH7 (myosin heavy chain 7; minus strand). Cytogenetic location: 14q11.2.
Variant type: single nucleotide variant.
Coding change: c.5761C>A on transcript NM_000257.4 (MANE Select); coding-DNA position 5761, C replaced by A.
Protein change: p.Arg1921=; no amino-acid change (arginine 1921 retained).
Molecular consequence: synonymous variant.
Genome position (GRCh38, 1-based): chr14:23,413,788, G>T on the plus strand (C>A on the coding strand, the complement: MYH7 is on the minus strand). VCF-style: chr14-23413788-G-T. GRCh37 (hg19) VCF-style: chr14-23882997-G-T.
Other names: c.5761C>A (LRG_384t1).
Identifiers: ClinVar variation 508736 (VCV000508736.16), dbSNP rs539290591, ClinGen allele CA048169.